The following is an entry in ClinVar:

ClinVar aggregate classification (germline): Uncertain significance (1 of 4 stars; one submission).

Submission:

Ambry Genetics
Classification: Uncertain significance. Last evaluated: 2025-10-23. Review status: criteria provided, single submitter. Criteria: Ambry Variant Classification Scheme 2023. Collection method: clinical testing. Allele origin: germline.
Comment: The p.L745P variant (also known as c.2234T>C), located in coding exon 12 of the ATRIP gene, results from a T to C substitution at nucleotide position 2234. The leucine at codon 745 is replaced by proline, an amino acid with similar properties. This amino acid position is conserved. In addition, this alteration is predicted to be deleterious by in silico analysis. Based on the available evidence, the clinical significance of this variant remains unclear.

NM_130384.3(ATRIP):c.2234T>C (p.Leu745Pro)

Genes: ATRIP (ATR interacting protein; plus strand), ATRIP-TREX1 (ATRIP-TREX1 readthrough; plus strand). Cytogenetic location: 3p21.31.
Variant type: single nucleotide variant.
Coding change: c.2234T>C on transcript NM_130384.3 (MANE Select); coding-DNA position 2234, T replaced by C.
Protein change: p.Leu745Pro; replaces leucine 745 with proline.
Molecular consequence: missense variant. On other transcripts: non-coding transcript variant (1).
Genome position (GRCh38, 1-based): chr3:48,465,009, T>C. VCF-style: chr3-48465009-T-C. GRCh37 (hg19) VCF-style: chr3-48506408-T-C.
Other names: c.1955T>C, p.Leu652Pro (NM_001271023.2); c.2153T>C, p.Leu718Pro (NM_032166.4); c.1853T>C, p.Leu618Pro (NM_001271022.2); short protein forms L652P, L618P, L718P, L745P.
Identifiers: ClinVar variation 4644554 (VCV004644554.1).
Genomic context (GRCh38, chr3:48,465,009, plus strand): 5'-TGCTGCTGCACGGCCTATCGCAGAAGGACAAGCTCTTCATGATGCACTGCGTGGAGGTCC[T>C]GCATCAGTTTGACCAGGTGATGCCGGGGGTCAGCATGCTCATCCGAGGGCTTCCTGATGT-3'
Protein context (NP_569055.1, residues 735-755): KLFMMHCVEV[Leu745Pro]HQFDQVMPGV